The following is an entry in ClinVar:

NM_001329943.3(KIAA0586):c.3910T>A (p.Phe1304Ile)

Gene: KIAA0586 (KIAA0586; plus strand). Cytogenetic location: 14q23.1.
Variant type: single nucleotide variant.
Coding change: c.3910T>A on transcript NM_001329943.3 (MANE Select); coding-DNA position 3910, T replaced by A.
Protein change: p.Phe1304Ile; replaces phenylalanine 1304 with isoleucine.
Molecular consequence: missense variant. On other transcripts: intron variant (1).
Genome position (GRCh38, 1-based): chr14:58,492,195, T>A. VCF-style: chr14-58492195-T-A. GRCh37 (hg19) VCF-style: chr14-58958913-T-A.
Other names: c.4069T>A, p.Phe1357Ile (NM_001244189.2); c.3865T>A, p.Phe1289Ile (NM_001244190.2); c.3655T>A, p.Phe1219Ile (NM_001244191.2, NM_001329945.2, NM_001364700.1 and 1 more transcripts); c.3778T>A, p.Phe1260Ile (NM_001244192.2); c.3490T>A, p.Phe1164Ile (NM_001244193.2); c.3910T>A, p.Phe1304Ile (NM_001329944.2, NM_001329946.2); c.3682T>A, p.Phe1228Ile (NM_014749.5); c.3858+1955T>A (NM_001329947.2); and 1 more; short protein forms F1289I, F1357I, F1164I, F1219I, F1228I, F1260I, F1304I.
Identifiers: ClinVar variation 1407294 (VCV001407294.4), dbSNP rs1441855459, ClinGen allele CA389884460.
Genomic context (GRCh38, chr14:58,492,195, plus strand): 5'-TTCTTTTAGGAGGATGATCCTCCTAGTGAAGGGCAAGTGATTAGGATGTCCCATAAAAAA[T>A]TTCATGCAGATGCAATTCTTTCTTTTGCTAAACAAAACCAGGAGTCAGCAGTTTCCCAGC-3'
Protein context (NP_001316872.1, residues 1294-1314): GQVIRMSHKK[Phe1304Ile]HADAILSFAK

ClinVar aggregate classification (germline): Uncertain significance. Review status: criteria provided, multiple submitters, no conflicts (2 of 4 stars). 2 submissions from 2 submitters: Uncertain significance (2). Last evaluated 2025-06-11.

Conditions:
Short-rib thoracic dysplasia 14 with polydactyly (SRTD14). Identifiers: Orphanet 397715, MedGen C4225286, MONDO:0014688, OMIM 616546.
Joubert syndrome 23 (JBTS23). Identifiers: Orphanet 475, MedGen C4084822, MONDO:0014664, OMIM 616490.
Inborn genetic diseases. Identifiers: MedGen C0950123, MeSH D030342.

Allele frequency attached by ClinVar (database versions not stated): gnomAD exomes 0.00001; TOPMed 0.00002; gnomAD 0.00001.
gnomAD v4.1: 5 of 1,550,228 alleles (0.00032%); highest among the groups gnomAD compares: Admixed American, 0.0039%; no homozygotes.

Submissions (2):

Ambry Genetics
Classification: Uncertain significance for Inborn genetic diseases. Last evaluated: 2025-06-11. Review status: criteria provided, single submitter. Criteria: Ambry Variant Classification Scheme 2023. Collection method: clinical testing. Allele origin: germline.

Labcorp Genetics (formerly Invitae), Labcorp
Classification: Uncertain significance for Joubert syndrome 23; Short-rib thoracic dysplasia 14 with polydactyly. Last evaluated: 2022-08-16. Review status: criteria provided, single submitter. Criteria: Invitae Variant Classification Sherloc (09022015). Collection method: clinical testing. Allele origin: germline.
Comment: This sequence change replaces phenylalanine, which is neutral and non-polar, with isoleucine, which is neutral and non-polar, at codon 1357 of the KIAA0586 protein (p.Phe1357Ile). This variant is present in population databases (no rsID available, gnomAD 0.004%). This variant has not been reported in the literature in individuals affected with KIAA0586-related conditions. ClinVar contains an entry for this variant (Variation ID: 1407294). Algorithms developed to predict the effect of missense changes on protein structure and function output the following: SIFT: "Tolerated"; PolyPhen-2: "Benign"; Align-GVGD: "Class C0". The isoleucine amino acid residue is found in multiple mammalian species, which suggests that this missense change does not adversely affect protein function. In summary, the available evidence is currently insufficient to determine the role of this variant in disease. Therefore, it has been classified as a Variant of Uncertain Significance.